The following is an entry in ClinVar:

NM_017849.4(TMEM127):c.410-3T>G

Gene: TMEM127 (transmembrane protein 127; minus strand). Cytogenetic location: 2q11.2.
Variant type: single nucleotide variant.
Coding change: c.410-3T>G on transcript NM_017849.4 (MANE Select); 3 bases into the intron before coding-DNA position 410, T replaced by G.
Molecular consequence: intron variant.
Genome position (GRCh38, 1-based): chr2:96,254,118, A>C on the plus strand (T>G on the coding strand, the complement: TMEM127 is on the minus strand). VCF-style: chr2-96254118-A-C. GRCh37 (hg19) VCF-style: chr2-96919856-A-C.
Other names: c.158-3T>G (NM_001407283.1, NM_001407282.1); c.410-3T>G (NM_001193304.3).
Identifiers: ClinVar variation 4552055 (VCV004552055.1).

ClinVar aggregate classification (germline): Uncertain significance (1 of 4 stars; one submission).

Conditions:
Hereditary cancer-predisposing syndrome. Also called: Tumor predisposition; Hereditary Cancer Syndrome; Hereditary neoplastic syndrome; Neoplastic Syndromes, Hereditary. Identifiers: Orphanet 140162, MedGen C0027672, MeSH D009386, MONDO:0015356.

Submission:

Ambry Genetics
Classification: Uncertain significance for Hereditary cancer-predisposing syndrome. Last evaluated: 2025-09-16. Review status: criteria provided, single submitter. Criteria: Ambry Variant Classification Scheme 2023. Collection method: clinical testing. Allele origin: germline.
Comment: The c.410-3T>G intronic variant results from a T to G substitution 3 nucleotides upstream from coding exon 3 in the TMEM127 gene. This nucleotide position is not well conserved in available vertebrate species. In silico splice site analysis predicts that this alteration may weaken the native splice acceptor site and will result in the creation or strengthening of a novel splice acceptor site. RNA studies have demonstrated that this alteration results in a splice defect; the clinical impact of this abnormal splicing is unknown at this time (Ambry internal data). Based on the available evidence, the clinical significance of this variant remains unclear.